The following is an entry in ClinVar:

ClinVar aggregate classification (germline): Pathogenic (1 of 4 stars; one submission).

Submission:

ISCA site 4
Classification: Pathogenic. Last evaluated: 2011-08-12. Review status: criteria provided, single submitter. Criteria: Kaminsky et al. (Genet Med. 2011). Collection method: clinical testing. Allele origin: unknown. Affected: yes. Observed: 1 variant allele.
Comment: Copy number variation identified through the course of routine clinical cytogenomic testing in postnatal populations. Clinical assertions have been curated as described in Kaminsky et al. 2011.

GRCh38/hg38 Xp22.33(chrX:10679-803222)x1

Genes: CNE-2 (CNE-2 enhancer upstream of SHOX; plus strand), CNE-3 (CNE-3 enhancer upstream of SHOX; plus strand), CNE-5 (CNE-5 enhancer upstream of SHOX; plus strand), CNE4 (CNE4 enhancer downstream of SHOX; plus strand), CNE5 (CNE5 enhancer downstream of SHOX; plus strand) and 6 more. Cytogenetic location: Xp22.33.
Variant type: copy number loss.
Change: copy number 1 of chrX:10,679-803,222 (792.5 kb, GRCh38 coordinates, 1-based), cytogenetic band Xp22.33.
Identifiers: ClinVar variation 57498 (VCV000057498.1).